The following is an entry in ClinVar:

NM_014363.6(SACS):c.5645T>G (p.Leu1882Trp)

Gene: SACS (sacsin molecular chaperone; minus strand). Cytogenetic location: 13q12.12.
Variant type: single nucleotide variant.
Coding change: c.5645T>G on transcript NM_014363.6 (MANE Select); coding-DNA position 5645, T replaced by G.
Protein change: p.Leu1882Trp; replaces leucine 1882 with tryptophan.
Molecular consequence: missense variant.
Genome position (GRCh38, 1-based): chr13:23,338,231, A>C on the plus strand (T>G on the coding strand, the complement: SACS is on the minus strand). VCF-style: chr13-23338231-A-C. GRCh37 (hg19) VCF-style: chr13-23912370-A-C.
Other names: c.5204T>G, p.Leu1735Trp (NM_001278055.2); short protein forms L1735W, L1882W.
Identifiers: ClinVar variation 2444281 (VCV002444281.1), dbSNP rs2542263781, ClinGen allele CA387525191.

ClinVar aggregate classification (germline): Uncertain significance (1 of 4 stars; one submission).

Conditions:
Charlevoix-Saguenay spastic ataxia (SACS). Also called: SPASTIC ATAXIA 6, AUTOSOMAL RECESSIVE; AUTOSOMAL RECESSIVE SPASTIC ATAXIA OF CHARLEVOIX-SAGUENAY; Spastic ataxia of Charlevoix-Saguenay. Identifiers: Orphanet 98, MedGen C1849140, MONDO:0010041, OMIM 270550.

Submission:

3billion
Classification: Uncertain significance for Charlevoix-Saguenay spastic ataxia. Last evaluated: 2023-02-23. Review status: criteria provided, single submitter. Criteria: ACMG Guidelines, 2015. Collection method: clinical testing. Allele origin: unknown. Affected: yes.
Comment: The variant is not observed in the gnomAD v2.1.1 dataset. In silico tool predictions suggest damaging effect of the variant on gene or gene product (REVEL: 0.85; 3Cnet: 0.45). However, the evidence of pathogenicity is insufficient at this time. Therefore, this variant is classified as VUS according to the recommendation of ACMG/AMP guideline.